The following is an entry in ClinVar:

NM_014000.3(VCL):c.3007C>T (p.Arg1003Trp)

Gene: VCL (vinculin; plus strand). Cytogenetic location: 10q22.2.
Variant type: single nucleotide variant.
Coding change: c.3007C>T on transcript NM_014000.3 (MANE Select); coding-DNA position 3007, C replaced by T.
Protein change: p.Arg1003Trp; replaces arginine 1003 with tryptophan.
Molecular consequence: missense variant.
Genome position (GRCh38, 1-based): chr10:74,114,241, C>T. VCF-style: chr10-74114241-C-T. GRCh37 (hg19) VCF-style: chr10-75873999-C-T.
Other names: c.2803C>T, p.Arg935Trp (NM_003373.4); short protein forms R935W, R1003W.
Identifiers: ClinVar variation 850633 (VCV000850633.10), dbSNP rs753166628, ClinGen allele CA5563363.
Genomic context (GRCh38, chr10:74,114,241, plus strand): 5'-TAGGGCAATGACATCATTGCAGCAGCCAAGCGCATGGCTCTGCTGATGGCTGAGATGTCT[C>T]GGCTGGTAAGAGGGGGCAGTGGTACCAAGCGGGCACTCATTCAGTGTGCCAAGGACATCG-3'
Protein context (NP_054706.1, residues 993-1013): RMALLMAEMS[Arg1003Trp]LVRGGSGTKR

ClinVar aggregate classification (germline): Uncertain significance. Review status: criteria provided, multiple submitters, no conflicts (2 of 4 stars). 2 submissions from 2 submitters: Uncertain significance (2). Last evaluated 2025-10-26.

Conditions:
Cardiovascular phenotype. Identifiers: MedGen CN230736.
Dilated cardiomyopathy 1W (CMD1W). Identifiers: Orphanet 154, MedGen C1969639, MONDO:0012667, OMIM 611407.

Allele frequency attached by ClinVar (database versions not stated): gnomAD exomes below 0.00001; TOPMed below 0.00001; ExAC 0.00001; gnomAD 0.00001.
gnomAD v4.1: 3 of 1,613,900 alleles (0.00019%); highest among the groups gnomAD compares: Admixed American, 0.0017%; no homozygotes.

Submissions (2):

Labcorp Genetics (formerly Invitae), Labcorp
Classification: Uncertain significance for Dilated cardiomyopathy 1W. Last evaluated: 2025-10-26. Review status: criteria provided, single submitter. Criteria: Invitae Variant Classification Sherloc (09022015). Collection method: clinical testing. Allele origin: germline.
Comment: This sequence change replaces arginine, which is basic and polar, with tryptophan, which is neutral and slightly polar, at codon 1003 of the VCL protein (p.Arg1003Trp). The frequency data for this variant in the population databases is considered unreliable, as metrics indicate poor data quality at this position in the gnomAD database. This variant has not been reported in the literature in individuals affected with VCL-related conditions. ClinVar contains an entry for this variant (Variation ID: 850633). An algorithm developed to predict the effect of missense changes on protein structure and function (PolyPhen-2) suggests that this variant is likely to be disruptive. In summary, the available evidence is currently insufficient to determine the role of this variant in disease. Therefore, it has been classified as a Variant of Uncertain Significance.

Ambry Genetics
Classification: Uncertain significance for Cardiovascular phenotype. Last evaluated: 2023-02-27. Review status: criteria provided, single submitter. Criteria: Ambry Variant Classification Scheme 2023. Collection method: clinical testing. Allele origin: germline.
Comment: The p.R1003W variant (also known as c.3007C>T), located in coding exon 20 of the VCL gene, results from a C to T substitution at nucleotide position 3007. The arginine at codon 1003 is replaced by tryptophan, an amino acid with dissimilar properties. This amino acid position is conserved. In addition, this alteration is predicted to be deleterious by in silico analysis. Since supporting evidence is limited at this time, the clinical significance of this alteration remains unclear.